The following is an entry in ClinVar:

NM_001211.6(BUB1B):c.917A>G (p.Asn306Ser)

Gene: BUB1B (BUB1 mitotic checkpoint serine/threonine kinase B; plus strand). Cytogenetic location: 15q15.1.
Variant type: single nucleotide variant.
Coding change: c.917A>G on transcript NM_001211.6 (MANE Select); coding-DNA position 917, A replaced by G.
Protein change: p.Asn306Ser; replaces asparagine 306 with serine.
Molecular consequence: missense variant.
Genome position (GRCh38, 1-based): chr15:40,185,330, A>G. VCF-style: chr15-40185330-A-G. GRCh37 (hg19) VCF-style: chr15-40477531-A-G.
Other names: short protein forms N306S.
Identifiers: ClinVar variation 1390882 (VCV001390882.10), dbSNP rs2140890832, ClinGen allele CA391684655.

ClinVar aggregate classification (germline): Uncertain significance. Review status: criteria provided, multiple submitters, no conflicts (2 of 4 stars). 2 submissions from 2 submitters: Uncertain significance (2). Last evaluated 2023-08-10.

Conditions:
Inborn genetic diseases. Identifiers: MedGen C0950123, MeSH D030342.
Mosaic variegated aneuploidy syndrome 1 (MVA1). Also called: Warburton-Anyane-Yeboa syndrome. Identifiers: Orphanet 1052, MedGen C1850343, MONDO:0009759, OMIM 257300.

Allele frequency attached by ClinVar (database versions not stated): gnomAD exomes below 0.00001.
gnomAD v4.1: 4 of 1,614,192 alleles (0.00025%); highest among the groups gnomAD compares: Non-Finnish European, 0.00034%; no homozygotes.

Submissions (2):

Labcorp Genetics (formerly Invitae), Labcorp
Classification: Uncertain significance for Mosaic variegated aneuploidy syndrome 1. Last evaluated: 2023-08-10. Review status: criteria provided, single submitter. Criteria: Invitae Variant Classification Sherloc (09022015). Collection method: clinical testing. Allele origin: germline.
Comment: An algorithm developed to predict the effect of missense changes on protein structure and function (PolyPhen-2) suggests that this variant is likely to be disruptive. In summary, the available evidence is currently insufficient to determine the role of this variant in disease. Therefore, it has been classified as a Variant of Uncertain Significance. ClinVar contains an entry for this variant (Variation ID: 1390882). This variant has not been reported in the literature in individuals affected with BUB1B-related conditions. This variant is not present in population databases (gnomAD no frequency). This sequence change replaces asparagine, which is neutral and polar, with serine, which is neutral and polar, at codon 306 of the BUB1B protein (p.Asn306Ser).

Ambry Genetics
Classification: Uncertain significance for Inborn genetic diseases. Last evaluated: 2022-04-02. Review status: criteria provided, single submitter. Criteria: Ambry Variant Classification Scheme 2023. Collection method: clinical testing. Allele origin: germline.
Comment: The p.N306S variant (also known as c.917A>G), located in coding exon 7 of the BUB1B gene, results from an A to G substitution at nucleotide position 917. The asparagine at codon 306 is replaced by serine, an amino acid with highly similar properties. This amino acid position is conserved. In addition, this alteration is predicted to be tolerated by in silico analysis. Since supporting evidence is limited at this time, the clinical significance of this alteration remains unclear.